The following is an entry in ClinVar:

NM_000352.6(ABCC8):c.4485C>T (p.Phe1495=)

Gene: ABCC8 (ATP binding cassette subfamily C member 8; minus strand). Cytogenetic location: 11p15.1.
Variant type: single nucleotide variant.
Coding change: c.4485C>T on transcript NM_000352.6 (MANE Select); coding-DNA position 4485, C replaced by T.
Protein change: p.Phe1495=; no amino-acid change (phenylalanine 1495 retained).
Molecular consequence: synonymous variant. On other transcripts: non-coding transcript variant (1).
Genome position (GRCh38, 1-based): chr11:17,394,326, G>A on the plus strand (C>T on the coding strand, the complement: ABCC8 is on the minus strand). VCF-style: chr11-17394326-G-A. GRCh37 (hg19) VCF-style: chr11-17415873-G-A.
Other names: c.4488C>T, p.Phe1496= (NM_001287174.3); c.4551C>T, p.Phe1517= (NM_001351295.2); c.4485C>T, p.Phe1495= (NM_001351296.2); c.4482C>T, p.Phe1494= (NM_001351297.2).
Identifiers: ClinVar variation 78286 (VCV000078286.11), dbSNP rs267602801, ClinGen allele CA5902465.

ClinVar aggregate classification (germline): Conflicting classifications of pathogenicity. Review status: criteria provided, conflicting classifications (1 of 4 stars). 4 submissions from 3 submitters: Uncertain significance (2); Likely benign (2). Last evaluated 2024-08-09.

Conditions:
Maturity-onset diabetes of the young (MODY). Also called: Maturity onset diabetes mellitus in young. Identifiers: Orphanet 552, MedGen C0342276, MONDO:0018911, HP:0004904.
Transitory neonatal diabetes mellitus. Also called: Transient neonatal diabetes mellitus. Identifiers: MedGen C0342273, MONDO:0020525, HP:0008255.

Allele frequency attached by ClinVar (database versions not stated): gnomAD 0.00001; ExAC 0.00002; gnomAD exomes 0.00002; TOPMed 0.00005; ESP Exome Variant Server 0.00008.
gnomAD v4.1: 40 of 1,613,924 alleles (0.0025%); highest among the groups gnomAD compares: African/African-American, 0.0093%; no homozygotes.

Submissions (4):

Blueprint Genetics
Classification: Likely benign. Last evaluated: 2024-08-09. Review status: criteria provided, single submitter. Criteria: ACMG Guidelines, 2015. Collection method: clinical testing. Allele origin: germline.

Labcorp Genetics (formerly Invitae), Labcorp
Classification: Likely benign. Last evaluated: 2024-02-16. Review status: criteria provided, single submitter. Criteria: Invitae Variant Classification Sherloc (09022015). Collection method: clinical testing. Allele origin: germline.

Clinical Genomics, Uppaluri K&H Personalized Medicine Clinic
Classification: Uncertain significance for Maturity-onset diabetes of the young. Review status: criteria provided, single submitter. Criteria: K & H Uppaluri Personalized Medicine Clinic Variant Classification & Assertion Criteria_Updated V.1. Collection method: research. Allele origin: somatic. Inheritance: Somatic mutation.
Comment: Mutations in ABCC8 gene are associated with both neonatal diabetes mellitus as well as MODY. Patients with this mutation may have a better response to sulfonylureas. However, no sufficient evidence is found to ascertain the role of this particular variant ( rs267602801) in MODY yet.

Clinical Genomics, Uppaluri K&H Personalized Medicine Clinic
Classification: Uncertain significance for Transitory neonatal diabetes mellitus. Review status: criteria provided, single submitter. Criteria: K & H Uppaluri Personalized Medicine Clinic Variant Classification & Assertion Criteria_Updated V.1. Collection method: research. Allele origin: somatic. Inheritance: Somatic mutation.
Comment: Mutations in ABCC8 gene are associated with both neonatal diabetes mellitus as well as MODY. Patients with this mutation may have a better response to sulfonylureas. However, no sufficient evidence is found to ascertain the role of this particular variant (rs267602801) in neonatal diabetes yet.

Literature cited by the submitters: PubMed 16885549 (cited by Clinical Genomics, Uppaluri K&H Personalized Medicine Clinic); PubMed 21989597 (cited by Clinical Genomics, Uppaluri K&H Personalized Medicine Clinic); PubMed 27538677 (cited by Clinical Genomics, Uppaluri K&H Personalized Medicine Clinic); PubMed 18981553 (cited by Clinical Genomics, Uppaluri K&H Personalized Medicine Clinic); PubMed 32027066 (cited by Clinical Genomics, Uppaluri K&H Personalized Medicine Clinic); PubMed 16613899 (cited by Clinical Genomics, Uppaluri K&H Personalized Medicine Clinic); PubMed 18025408 (cited by Clinical Genomics, Uppaluri K&H Personalized Medicine Clinic); PubMed 32792356 (cited by Clinical Genomics, Uppaluri K&H Personalized Medicine Clinic).